The following is an entry in ClinVar:

ClinVar aggregate classification (germline): Uncertain significance (1 of 4 stars; one submission).

gnomAD v4.1: 45 of 1,613,986 alleles (0.0028%); highest among the groups gnomAD compares: Non-Finnish European, 0.0037%; no homozygotes.

Submission:

Labcorp Genetics (formerly Invitae), Labcorp
Classification: Uncertain significance. Last evaluated: 2024-07-08. Review status: criteria provided, single submitter. Criteria: Invitae Variant Classification Sherloc (09022015). Collection method: clinical testing. Allele origin: germline.
Comment: This sequence change replaces histidine, which is basic and polar, with tyrosine, which is neutral and polar, at codon 1358 of the INSR protein (p.His1358Tyr). This variant is present in population databases (no rsID available, gnomAD no frequency). This variant has not been reported in the literature in individuals affected with INSR-related conditions. Advanced modeling of protein sequence and biophysical properties (such as structural, functional, and spatial information, amino acid conservation, physicochemical variation, residue mobility, and thermodynamic stability) performed at Invitae indicates that this missense variant is not expected to disrupt INSR protein function with a negative predictive value of 95%. In summary, the available evidence is currently insufficient to determine the role of this variant in disease. Therefore, it has been classified as a Variant of Uncertain Significance.

NM_000208.4(INSR):c.4072C>T (p.His1358Tyr)

Gene: INSR (insulin receptor; minus strand). Cytogenetic location: 19p13.2.
Variant type: single nucleotide variant.
Coding change: c.4072C>T on transcript NM_000208.4 (MANE Select); coding-DNA position 4072, C replaced by T.
Protein change: p.His1358Tyr; replaces histidine 1358 with tyrosine.
Molecular consequence: missense variant.
Genome position (GRCh38, 1-based): chr19:7,117,133, G>A on the plus strand (C>T on the coding strand, the complement: INSR is on the minus strand). VCF-style: chr19-7117133-G-A. GRCh37 (hg19) VCF-style: chr19-7117144-G-A.
Other names: c.4036C>T, p.His1346Tyr (NM_001079817.3); short protein forms H1346Y, H1358Y.
Identifiers: ClinVar variation 3616378 (VCV003616378.2).